The following is an entry in ClinVar:

ClinVar aggregate classification (germline): Uncertain significance (1 of 4 stars; one submission).

Conditions:
Inborn genetic diseases. Identifiers: MedGen C0950123, MeSH D030342.

Submission:

Ambry Genetics
Classification: Uncertain significance for Inborn genetic diseases. Last evaluated: 2025-12-10. Review status: criteria provided, single submitter. Criteria: Ambry Variant Classification Scheme 2023. Collection method: clinical testing. Allele origin: germline.
Comment: The p.D909N variant (also known as c.2725G>A), located in coding exon 24 of the ANKRD26 gene, results from a G to A substitution at nucleotide position 2725. The aspartic acid at codon 909 is replaced by asparagine, an amino acid with highly similar properties. This amino acid position is conserved. In addition, this alteration is predicted to be tolerated by in silico analysis. Based on the available evidence, the clinical significance of this variant remains unclear.

NM_014915.3(ANKRD26):c.2725G>A (p.Asp909Asn)

Gene: ANKRD26 (ankyrin repeat domain 26; minus strand). Cytogenetic location: 10p12.1.
Variant type: single nucleotide variant.
Coding change: c.2725G>A on transcript NM_014915.3 (MANE Select); coding-DNA position 2725, G replaced by A.
Protein change: p.Asp909Asn; replaces aspartic acid 909 with asparagine.
Molecular consequence: missense variant.
Genome position (GRCh38, 1-based): chr10:27,035,725, C>T on the plus strand (G>A on the coding strand, the complement: ANKRD26 is on the minus strand). VCF-style: chr10-27035725-C-T. GRCh37 (hg19) VCF-style: chr10-27324654-C-T.
Other names: c.2722G>A, p.Asp908Asn (NM_001256053.2); short protein forms D908N, D909N.
Identifiers: ClinVar variation 4580435 (VCV004580435.1).
Genomic context (GRCh38, chr10:27,035,725, plus strand): 5'-CTATTTCTAGTCTTAGCATAGCAATTTCTTCCTGCAACATGCTATTTTTATGCGATAGGT[C>T]TTTTTCTTCTTCATGACTATGAGAATTCTAAGTAAAACAAAGGAAACTTTGAGCTAGCAC-3'
Protein context (NP_055730.2, residues 899-919): ENSHSHEEEK[Asp909Asn]LSHKNSMLQE